The following is an entry in ClinVar:

NM_000080.4(CHRNE):c.551dup (p.Asn184fs)

Genes: C17orf107 (chromosome 17 open reading frame 107; plus strand), CHRNE (cholinergic receptor nicotinic epsilon subunit; minus strand). Cytogenetic location: 17p13.2.
Variant type: Duplication.
Coding change: c.551dup on transcript NM_000080.4 (MANE Select); coding-DNA position 551, one base duplicated (A; older notation c.551dupA).
Protein change: p.Asn184fs; shifts the reading frame from asparagine 184.
Molecular consequence: frameshift variant. On other transcripts: 3 prime UTR variant (1).
Genome position (GRCh38, 1-based): chr17:4,901,575, T duplicated on the plus strand (A on the coding strand, the reverse complement: CHRNE is on the minus strand); the first of 2 consecutive T bases (chr17:4,901,575-4,901,576); duplicating either gives the same sequence. VCF-style (leftmost placement, unchanged base first): chr17-4901574-G-GT. GRCh37 (hg19) VCF-style: chr17-4804869-G-GT.
Other names: c.*1043dup (NM_001145536.2); short protein forms N184fs.
Identifiers: ClinVar variation 2858514 (VCV002858514.3), dbSNP rs2507557171, ClinGen allele CA2739267066.
Genomic context (GRCh38, chr17:4,901,574, plus strand): 5'-AGGGGCTTCACCAGTATAGGCCTCTGTGTCGATGTCGATCTTGTTGATGGTCTTGCCGTC[G>GT]TTGTCTACGGCAAAAGTGAACTCCACCTCTTCGGCATTGTACGTCTGAGAGCTGCGGAGC-3'

ClinVar aggregate classification (germline): Pathogenic (1 of 4 stars; one submission).

Conditions:
Congenital myasthenic syndrome 4A. Also called: Myasthenic syndrome, congenital, 4a, slow-channel; CONGENITAL MYASTHENIC SYNDROME TYPE Ia1; MYASTHENIC SYNDROME, CONGENITAL, 4A, SLOW-CHANNEL, AUTOSOMAL RECESSIVE. Identifiers: Orphanet 590, MedGen C4225413, MONDO:0011600, OMIM 605809.

Submission:

Labcorp Genetics (formerly Invitae), Labcorp
Classification: Pathogenic for Congenital myasthenic syndrome 4A. Last evaluated: 2023-04-23. Review status: criteria provided, single submitter. Criteria: Invitae Variant Classification Sherloc (09022015). Collection method: clinical testing. Allele origin: germline.
Comment: For these reasons, this variant has been classified as Pathogenic. This sequence change creates a premature translational stop signal (p.Asn184Lysfs*18) in the CHRNE gene. It is expected to result in an absent or disrupted protein product. Loss-of-function variants in CHRNE are known to be pathogenic (PMID: 22678886). This variant is not present in population databases (gnomAD no frequency). This variant has not been reported in the literature in individuals affected with CHRNE-related conditions. Algorithms developed to predict the effect of sequence changes on RNA splicing suggest that this variant may disrupt the consensus splice site.

Literature cited by the submitters: PubMed 22678886.